The following is an entry in ClinVar:

ClinVar aggregate classification (germline): Uncertain significance (1 of 4 stars; one submission).

Conditions:
Inborn genetic diseases. Identifiers: MedGen C0950123, MeSH D030342.

Submission:

Ambry Genetics
Classification: Uncertain significance for Inborn genetic diseases. Last evaluated: 2025-02-08. Review status: criteria provided, single submitter. Criteria: Ambry Variant Classification Scheme 2023. Collection method: clinical testing. Allele origin: germline.
Comment: The p.A602T variant (also known as c.1804G>A), located in coding exon 20 of the FANCA gene, results from a G to A substitution at nucleotide position 1804. The alanine at codon 602 is replaced by threonine, an amino acid with similar properties. This amino acid position is conserved. In addition, this alteration is predicted to be tolerated by in silico analysis. Based on the available evidence, the clinical significance of this variant remains unclear.

NM_000135.4(FANCA):c.1804G>A (p.Ala602Thr)

Gene: FANCA (FA complementation group A; minus strand). Cytogenetic location: 16q24.3.
Variant type: single nucleotide variant.
Coding change: c.1804G>A on transcript NM_000135.4 (MANE Select); coding-DNA position 1804, G replaced by A.
Protein change: p.Ala602Thr; replaces alanine 602 with threonine.
Molecular consequence: missense variant.
Genome position (GRCh38, 1-based): chr16:89,778,823, C>T on the plus strand (G>A on the coding strand, the complement: FANCA is on the minus strand). VCF-style: chr16-89778823-C-T. GRCh37 (hg19) VCF-style: chr16-89845231-C-T.
Other names: c.1804G>A, p.Ala602Thr (NM_001286167.3); short protein forms A602T.
Identifiers: ClinVar variation 3848212 (VCV003848212.1).